The following is an entry in ClinVar:

ClinVar aggregate classification (germline): Uncertain significance. Review status: criteria provided, multiple submitters, no conflicts (2 of 4 stars). 2 submissions from 2 submitters: Uncertain significance (2). Last evaluated 2024-06-12.

Conditions:
Renal cell carcinoma. Identifiers: Orphanet 217071, MedGen C0007134, MeSH D002292, MONDO:0005086, HP:0005584.
Hereditary cancer-predisposing syndrome. Also called: Neoplastic Syndromes, Hereditary; Tumor predisposition; Hereditary Cancer Syndrome; Hereditary neoplastic syndrome. Identifiers: Orphanet 140162, MedGen C0027672, MeSH D009386, MONDO:0015356.

Submissions (2):

Ambry Genetics
Classification: Uncertain significance for Hereditary cancer-predisposing syndrome. Last evaluated: 2024-06-12. Review status: criteria provided, single submitter. Criteria: Ambry Variant Classification Scheme 2023. Collection method: clinical testing. Allele origin: germline.
Comment: The p.D1222E variant (also known as c.3666C>G), located in coding exon 17 of the MET gene, results from a C to G substitution at nucleotide position 3666. The aspartic acid at codon 1222 is replaced by glutamic acid, an amino acid with highly similar properties. This amino acid position is conserved. In addition, this alteration is predicted to be deleterious by in silico analysis. Based on the available evidence, the clinical significance of this variant remains unclear.

Labcorp Genetics (formerly Invitae), Labcorp
Classification: Uncertain significance for Renal cell carcinoma. Last evaluated: 2023-06-14. Review status: criteria provided, single submitter. Criteria: Invitae Variant Classification Sherloc (09022015). Collection method: clinical testing. Allele origin: germline.
Comment: In summary, the available evidence is currently insufficient to determine the role of this variant in disease. Therefore, it has been classified as a Variant of Uncertain Significance. Advanced modeling of protein sequence and biophysical properties (such as structural, functional, and spatial information, amino acid conservation, physicochemical variation, residue mobility, and thermodynamic stability) performed at Invitae indicates that this missense variant is expected to disrupt MET protein function. This variant has not been reported in the literature in individuals affected with MET-related conditions. This variant is not present in population databases (gnomAD no frequency). This sequence change replaces aspartic acid, which is acidic and polar, with glutamic acid, which is acidic and polar, at codon 1222 of the MET protein (p.Asp1222Glu).

NM_000245.4(MET):c.3612C>G (p.Asp1204Glu)

Gene: MET (MET proto-oncogene, receptor tyrosine kinase; plus strand). Cytogenetic location: 7q31.2.
Variant type: single nucleotide variant.
Coding change: c.3612C>G on transcript NM_000245.4 (MANE Select); coding-DNA position 3612, C replaced by G.
Protein change: p.Asp1204Glu; replaces aspartic acid 1204 with glutamic acid.
Molecular consequence: missense variant.
Genome position (GRCh38, 1-based): chr7:116,782,077, C>G. VCF-style: chr7-116782077-C-G. GRCh37 (hg19) VCF-style: chr7-116422131-C-G.
Other names: c.3666C>G, p.Asp1222Glu (NM_001127500.3); c.2322C>G, p.Asp774Glu (NM_001324402.2); short protein forms D1204E, D1222E, D774E.
Identifiers: ClinVar variation 2712860 (VCV002712860.4), dbSNP rs2117060536, ClinGen allele CA368991201.
Genomic context (GRCh38, chr7:116,782,077, plus strand): 5'-TGGTCTTCAAGTAGCCAAAGGCATGAAATATCTTGCAAGCAAAAAGTTTGTCCACAGAGA[C>G]TTGGCTGCAAGAAACTGTATGTAAGTATCAGAATCTCTGTGCCACAATCCAAATTAAGTG-3'
Protein context (NP_000236.2, residues 1194-1214): YLASKKFVHR[Asp1204Glu]LAARNCMLDE